The following is an entry in ClinVar:

NM_015102.5(NPHP4):c.1264G>C (p.Val422Leu)

Gene: NPHP4 (nephrocystin 4; minus strand). Cytogenetic location: 1p36.31.
Variant type: single nucleotide variant.
Coding change: c.1264G>C on transcript NM_015102.5 (MANE Select); coding-DNA position 1264, G replaced by C.
Protein change: p.Val422Leu; replaces valine 422 with leucine.
Molecular consequence: missense variant. On other transcripts: 5 prime UTR variant (2), non-coding transcript variant (1).
Genome position (GRCh38, 1-based): chr1:5,933,185, C>G on the plus strand (G>C on the coding strand, the complement: NPHP4 is on the minus strand). VCF-style: chr1-5933185-C-G. GRCh37 (hg19) VCF-style: chr1-5993245-C-G.
Other names: c.-103G>C (NM_001291593.2, NM_001291594.2); c.1264G>C (NM_015102.3); short protein forms V422L.
Identifiers: ClinVar variation 953213 (VCV000953213.10), dbSNP rs373905286, ClinGen allele CA17141980.

ClinVar aggregate classification (germline): Uncertain significance. Review status: criteria provided, multiple submitters, no conflicts (2 of 4 stars). 2 submissions from 2 submitters: Uncertain significance (2). Last evaluated 2024-04-26.

Conditions:
Nephronophthisis. Also called: Juvenile Nephronophthisis. Identifiers: Orphanet 655, MedGen C0687120, MONDO:0019005, HP:0000090.
Inborn genetic diseases. Identifiers: MedGen C0950123, MeSH D030342.

Allele frequency attached by ClinVar (database versions not stated): ESP Exome Variant Server 0.00008.

Submissions (2):

Ambry Genetics
Classification: Uncertain significance for Inborn genetic diseases. Last evaluated: 2024-04-26. Review status: criteria provided, single submitter. Criteria: Ambry Variant Classification Scheme 2023. Collection method: clinical testing. Allele origin: germline.

Labcorp Genetics (formerly Invitae), Labcorp
Classification: Uncertain significance for Nephronophthisis. Last evaluated: 2024-02-24. Review status: criteria provided, single submitter. Criteria: Invitae Variant Classification Sherloc (09022015). Collection method: clinical testing. Allele origin: germline.
Comment: This sequence change replaces valine, which is neutral and non-polar, with leucine, which is neutral and non-polar, at codon 422 of the NPHP4 protein (p.Val422Leu). This variant is not present in population databases (gnomAD no frequency). This variant has not been reported in the literature in individuals affected with NPHP4-related conditions. ClinVar contains an entry for this variant (Variation ID: 953213). Advanced modeling of protein sequence and biophysical properties (such as structural, functional, and spatial information, amino acid conservation, physicochemical variation, residue mobility, and thermodynamic stability) performed at Invitae indicates that this missense variant is expected to disrupt NPHP4 protein function with a positive predictive value of 80%. In summary, the available evidence is currently insufficient to determine the role of this variant in disease. Therefore, it has been classified as a Variant of Uncertain Significance.